The following is an entry in ClinVar:

ClinVar aggregate classification (germline): Uncertain significance. Review status: criteria provided, multiple submitters, no conflicts (2 of 4 stars). 2 submissions from 2 submitters: Uncertain significance (2). Last evaluated 2025-09-01.

Conditions:
Inborn genetic diseases. Identifiers: MedGen C0950123, MeSH D030342.

Allele frequency attached by ClinVar (database versions not stated): gnomAD 0.00001; TOPMed 0.00001.
gnomAD v4.1: 14 of 1,614,068 alleles (0.00087%); highest among the groups gnomAD compares: Non-Finnish European, 0.0011%; no homozygotes.

Submissions (2):

Ambry Genetics
Classification: Uncertain significance for Inborn genetic diseases. Last evaluated: 2025-09-01. Review status: criteria provided, single submitter. Criteria: Ambry Variant Classification Scheme 2023. Collection method: clinical testing. Allele origin: germline.

Labcorp Genetics (formerly Invitae), Labcorp
Classification: Uncertain significance. Last evaluated: 2025-07-21. Review status: criteria provided, single submitter. Criteria: Invitae Variant Classification Sherloc (09022015). Collection method: clinical testing. Allele origin: germline.
Comment: This sequence change replaces proline, which is neutral and non-polar, with serine, which is neutral and polar, at codon 712 of the ADCY5 protein (p.Pro712Ser). This variant is present in population databases (rs776259193, gnomAD 0.002%). This variant has not been reported in the literature in individuals affected with ADCY5-related conditions. ClinVar contains an entry for this variant (Variation ID: 1900021). Invitae Evidence Modeling of protein sequence and biophysical properties (such as structural, functional, and spatial information, amino acid conservation, physicochemical variation, residue mobility, and thermodynamic stability) has been performed for this missense variant. However, the output from this modeling did not meet the statistical confidence thresholds required to predict the impact of this variant on ADCY5 protein function. In summary, the available evidence is currently insufficient to determine the role of this variant in disease. Therefore, it has been classified as a Variant of Uncertain Significance.

NM_183357.3(ADCY5):c.2134C>T (p.Pro712Ser)

Gene: ADCY5 (adenylate cyclase 5; minus strand). Cytogenetic location: 3q21.1.
Variant type: single nucleotide variant.
Coding change: c.2134C>T on transcript NM_183357.3 (MANE Select); coding-DNA position 2134, C replaced by T.
Protein change: p.Pro712Ser; replaces proline 712 with serine.
Molecular consequence: missense variant.
Genome position (GRCh38, 1-based): chr3:123,319,796, G>A on the plus strand (C>T on the coding strand, the complement: ADCY5 is on the minus strand). VCF-style: chr3-123319796-G-A. GRCh37 (hg19) VCF-style: chr3-123038643-G-A.
Other names: c.2134C>T (NM_183357.2); c.1084C>T, p.Pro362Ser (NM_001199642.1); c.2134C>T, p.Pro712Ser (NM_001378259.1); short protein forms P712S, P362S.
Identifiers: ClinVar variation 1900021 (VCV001900021.4), dbSNP rs776259193, ClinGen allele CA2577225.